The following is an entry in ClinVar:

ClinVar aggregate classification (germline): Pathogenic (1 of 4 stars; one submission).

Submission:

Labcorp Genetics (formerly Invitae), Labcorp
Classification: Pathogenic. Last evaluated: 2023-07-09. Review status: criteria provided, single submitter. Criteria: Invitae Variant Classification Sherloc (09022015). Collection method: clinical testing. Allele origin: germline.
Comment: For these reasons, this variant has been classified as Pathogenic. This variant has not been reported in the literature in individuals affected with ALPK3-related conditions. This variant is not present in population databases (gnomAD no frequency). This sequence change creates a premature translational stop signal (p.Tyr497*) in the ALPK3 gene. It is expected to result in an absent or disrupted protein product. Loss-of-function variants in ALPK3 are known to be pathogenic (PMID: 21441111, 26846950, 27106955, 34263907).

Literature cited by the submitters: PubMed 21441111; PubMed 26846950; PubMed 27106955; PubMed 34263907.

NM_020778.5(ALPK3):c.884dup (p.Tyr295Ter)

Gene: ALPK3 (alpha kinase 3; plus strand). Cytogenetic location: 15q25.3.
Variant type: Duplication.
Coding change: c.884dup on transcript NM_020778.5 (MANE Select); coding-DNA position 884, one base duplicated (A; older notation c.884dupA).
Protein change: p.Tyr295Ter; replaces tyrosine 295 with a stop codon.
Molecular consequence: nonsense.
Genome position (GRCh38, 1-based): chr15:84,840,163, A duplicated. VCF-style (leftmost placement, unchanged base first): chr15-84840162-T-TA. GRCh37 (hg19) VCF-style: chr15-85383393-T-TA.
Other names: short protein forms Y295*.
Identifiers: ClinVar variation 2870195 (VCV002870195.3), dbSNP rs2505705611, ClinGen allele CA2739269632.